The following is an entry in ClinVar:

ClinVar aggregate classification (germline): Uncertain significance. Review status: criteria provided, multiple submitters, no conflicts (2 of 4 stars). 2 submissions from 2 submitters: Uncertain significance (2). Last evaluated 2024-01-24.

Conditions:
Smith-Lemli-Opitz syndrome (SLOS). Also called: 7-Dehydrocholesterol reductase deficiency; LETHAL ACRODYSGENITAL SYNDROME; POLYDACTYLY, SEX REVERSAL, RENAL HYPOPLASIA, AND UNILOBAR LUNG; RSH SYNDROME; RUTLEDGE LETHAL MULTIPLE CONGENITAL ANOMALY SYNDROME. Identifiers: Orphanet 818, MedGen C0175694, MONDO:0010035, OMIM 270400.

Allele frequency attached by ClinVar (database versions not stated): gnomAD exomes 0.00002; TOPMed 0.00002.
gnomAD v4.1: 30 of 1,607,176 alleles (0.0019%); highest among the groups gnomAD compares: East Asian, 0.0067%; 1 homozygote.

Submissions (2):

Labcorp Genetics (formerly Invitae), Labcorp
Classification: Uncertain significance for Smith-Lemli-Opitz syndrome. Last evaluated: 2024-01-24. Review status: criteria provided, single submitter. Criteria: Invitae Variant Classification Sherloc (09022015). Collection method: clinical testing. Allele origin: germline.
Comment: This sequence change replaces proline, which is neutral and non-polar, with leucine, which is neutral and non-polar, at codon 335 of the DHCR7 protein (p.Pro335Leu). This variant is present in population databases (rs77762671, gnomAD 0.01%). This variant has not been reported in the literature in individuals affected with DHCR7-related conditions. ClinVar contains an entry for this variant (Variation ID: 2082500). Algorithms developed to predict the effect of missense changes on protein structure and function output the following: SIFT: "Not Available"; PolyPhen-2: "Benign"; Align-GVGD: "Not Available". The leucine amino acid residue is found in multiple mammalian species, which suggests that this missense change does not adversely affect protein function. In summary, the available evidence is currently insufficient to determine the role of this variant in disease. Therefore, it has been classified as a Variant of Uncertain Significance.

Department of Pathology and Laboratory Medicine, Sinai Health System
Classification: Uncertain significance for Smith-Lemli-Opitz syndrome. Last evaluated: 2023-02-27. Review status: criteria provided, single submitter. Criteria: ACMG Guidelines, 2015. Collection method: research. Allele origin: germline.

NM_001360.3(DHCR7):c.1004C>T (p.Pro335Leu)

Gene: DHCR7 (7-dehydrocholesterol reductase; minus strand). Cytogenetic location: 11q13.4.
Variant type: single nucleotide variant.
Coding change: c.1004C>T on transcript NM_001360.3 (MANE Select); coding-DNA position 1004, C replaced by T.
Protein change: p.Pro335Leu; replaces proline 335 with leucine.
Molecular consequence: missense variant.
Genome position (GRCh38, 1-based): chr11:71,435,799, G>A on the plus strand (C>T on the coding strand, the complement: DHCR7 is on the minus strand). VCF-style: chr11-71435799-G-A. GRCh37 (hg19) VCF-style: chr11-71146845-G-A.
Other names: c.1004C>T, p.Pro335Leu (NM_001163817.2); short protein forms P335L.
Identifiers: ClinVar variation 2082500 (VCV002082500.5), dbSNP rs77762671, ClinGen allele CA6162337.